The following is an entry in ClinVar:

NM_005996.4(TBX3):c.1836C>G (p.Asn612Lys)

Gene: TBX3 (T-box transcription factor 3; minus strand). Cytogenetic location: 12q24.21.
Variant type: single nucleotide variant.
Coding change: c.1836C>G on transcript NM_005996.4 (MANE Select); coding-DNA position 1836, C replaced by G.
Protein change: p.Asn612Lys; replaces asparagine 612 with lysine.
Molecular consequence: missense variant.
Genome position (GRCh38, 1-based): chr12:114,672,177, G>C on the plus strand (C>G on the coding strand, the complement: TBX3 is on the minus strand). VCF-style: chr12-114672177-G-C. GRCh37 (hg19) VCF-style: chr12-115109982-G-C.
Other names: c.1896C>G, p.Asn632Lys (NM_016569.4); short protein forms N612K, N632K.
Identifiers: ClinVar variation 2878511 (VCV002878511.3), dbSNP rs1040183921, ClinGen allele CA244141696.

ClinVar aggregate classification (germline): Uncertain significance (1 of 4 stars; one submission).

Conditions:
Ulnar-mammary syndrome (UMS). Also called: PALLISTER ULNAR-MAMMARY SYNDROME; SCHINZEL SYNDROME; Ulnar-mammary syndrome of Pallister. Identifiers: Orphanet 3138, MedGen C1866994, MONDO:0008411, OMIM 181450.

Allele frequency attached by ClinVar (database versions not stated): gnomAD 0.00002.

Submission:

Labcorp Genetics (formerly Invitae), Labcorp
Classification: Uncertain significance for Ulnar-mammary syndrome. Last evaluated: 2023-02-01. Review status: criteria provided, single submitter. Criteria: Invitae Variant Classification Sherloc (09022015). Collection method: clinical testing. Allele origin: germline.
Comment: In summary, the available evidence is currently insufficient to determine the role of this variant in disease. Therefore, it has been classified as a Variant of Uncertain Significance. Algorithms developed to predict the effect of missense changes on protein structure and function are either unavailable or do not agree on the potential impact of this missense change (SIFT: "Deleterious"; PolyPhen-2: "Benign"; Align-GVGD: "Class C0"). This variant has not been reported in the literature in individuals affected with TBX3-related conditions. This variant is not present in population databases (gnomAD no frequency). This sequence change replaces asparagine, which is neutral and polar, with lysine, which is basic and polar, at codon 612 of the TBX3 protein (p.Asn612Lys).